The following is an entry in ClinVar:

ClinVar aggregate classification (germline): Uncertain significance. Review status: criteria provided, single submitter (1 of 4 stars). 2 submissions from 2 submitters: Uncertain significance (1). 1 of the submissions does not count toward it. Last evaluated 2020-05-26.

Conditions:
Optic atrophy. Identifiers: MedGen C0029124, MONDO:0003608, HP:0000648.
Retinitis pigmentosa 31 (RP31). Identifiers: Orphanet 791, MedGen C1835923, MONDO:0012367, OMIM 609923.

Allele frequency attached by ClinVar (database versions not stated): gnomAD exomes below 0.00001.
gnomAD v4.1: 1 of 1,614,208 alleles (0.000062%); highest among the groups gnomAD compares: Non-Finnish European, 0.000085%; no homozygotes.

Submissions (2):

Victorian Clinical Genetics Services, Murdoch Childrens Research Institute
Classification: Uncertain significance for Retinitis pigmentosa 31. Last evaluated: 2020-05-26. Review status: criteria provided, single submitter. Criteria: ACMG Guidelines, 2015. Collection method: clinical testing. Allele origin: germline. Inheritance: Autosomal dominant inheritance. Affected: yes.
Comment: Based on the classification scheme VCGS_Germline_v1.1.1, this variant is classified as 3C-VUS. Following criteria are met: 0102 - Loss-of-function is a known mechanism of disease for this gene. (N) 0107 - This gene is known to be associated with autosomal dominant disease. (N) 0200 - Variant is predicted to result in a missense amino acid change from glutamic acid to glutamine (exon 3). (N) 0251 - Variant is heterozygous. (N) 0302 - Variant is present in gnomAD <0.001 for a dominant condition (1 heterozygote, 0 homozygotes). (P) 0503 - Missense variant consistently predicted to be tolerated or not conserved in mammals with a minor amino acid change. (B) 0604 - Variant is not located in an established domain, motif, hotspot or informative constraint region. (N) 0705 - No comparable variants have previous evidence for pathogenicity. (N) 0807 - Variant has not previously been reported in a clinical context. (N) 0905 - No segregation evidence has been identified for this variant. (N) 1007 - No published functional evidence has been identified for this variant. (N) 1208 - Inheritance information for this variant is not currently available. (N) Legend: (P) - Pathogenic, (N) - Neutral, (B) - Benign

Institute of Human Genetics, Univ. Regensburg, Univ. Regensburg
Classification: Uncertain significance for Optic atrophy. Last evaluated: 2022-01-01. Review status: no assertion criteria provided. Criteria: ACMG Guidelines, 2015. Collection method: clinical testing. Allele origin: germline. Affected: yes. Not counted in ClinVar's aggregate classification.

NM_005802.5(TOPORS):c.2866G>C (p.Glu956Gln)

Gene: TOPORS (TOP1 binding arginine/serine rich protein, E3 ubiquitin ligase; minus strand). Cytogenetic location: 9p21.1.
Variant type: single nucleotide variant.
Coding change: c.2866G>C on transcript NM_005802.5 (MANE Select); coding-DNA position 2866, G replaced by C.
Protein change: p.Glu956Gln; replaces glutamic acid 956 with glutamine.
Molecular consequence: missense variant.
Genome position (GRCh38, 1-based): chr9:32,541,659, C>G on the plus strand (G>C on the coding strand, the complement: TOPORS is on the minus strand). VCF-style: chr9-32541659-C-G. GRCh37 (hg19) VCF-style: chr9-32541657-C-G.
Other names: c.2671G>C, p.Glu891Gln (NM_001195622.2); short protein forms E891Q, E956Q.
Identifiers: ClinVar variation 1806057 (VCV001806057.2), dbSNP rs1282071395, ClinGen allele CA373160303.